The following is an entry in ClinVar:

ClinVar aggregate classification (germline): Conflicting classifications of pathogenicity. Review status: criteria provided, conflicting classifications (1 of 4 stars). 4 submissions from 4 submitters: Uncertain significance (2); Likely benign (1). 1 of the submissions does not count toward it. Last evaluated 2026-02-09.

Conditions:
Hereditary cancer-predisposing syndrome. Also called: Neoplastic Syndromes, Hereditary; Hereditary neoplastic syndrome; Tumor predisposition; Hereditary Cancer Syndrome. Identifiers: Orphanet 140162, MedGen C0027672, MeSH D009386, MONDO:0015356.
Peutz-Jeghers syndrome (PJS). Also called: Peutz-Jeghers polyposis; Periorificial lentiginosis syndrome; POLYPOSIS, HAMARTOMATOUS INTESTINAL; POLYPS-AND-SPOTS SYNDROME. Identifiers: Orphanet 2869, MedGen C0031269, MeSH D010580, MONDO:0008280, OMIM 175200.

gnomAD v4.1: 3 of 1,580,360 alleles (0.00019%); highest among the groups gnomAD compares: Non-Finnish European, 0.00017%; no homozygotes.

Submissions (4):

Ambry Genetics
Classification: Uncertain significance for Hereditary cancer-predisposing syndrome. Last evaluated: 2026-02-09. Review status: criteria provided, single submitter. Criteria: Ambry Variant Classification Scheme 2023. Collection method: clinical testing. Allele origin: germline.
Comment: The c.375-5C>T intronic variant results from a C to T substitution 5 nucleotides upstream from coding exon 3 in the STK11 gene. This nucleotide position is not well conserved in available vertebrate species. In silico splice site analysis predicts that this alteration will not have any significant effect on splicing. Based on the available evidence, the clinical significance of this variant remains unclear.

Labcorp Genetics (formerly Invitae), Labcorp
Classification: Likely benign for Peutz-Jeghers syndrome. Last evaluated: 2025-11-09. Review status: criteria provided, single submitter. Criteria: Invitae Variant Classification Sherloc (09022015). Collection method: clinical testing. Allele origin: germline.

Myriad Genetics, Inc.
Classification: Uncertain significance for Peutz-Jeghers syndrome. Last evaluated: 2023-04-12. Review status: criteria provided, single submitter. Criteria: Myriad Autosomal Dominant, Autosomal Recessive and X-Linked Classification Criteria (2023). Collection method: clinical testing. Allele origin: unknown.
Comment: This variant is classified as a variant of uncertain significance as there is insufficient evidence to determine its impact on protein function and/or cancer risk.

Counsyl
Classification: Likely benign for Peutz-Jeghers syndrome. Last evaluated: 2016-10-28. Review status: no assertion criteria provided. Collection method: clinical testing. Allele origin: unknown. Not counted in ClinVar's aggregate classification.

NM_000455.5(STK11):c.375-5C>T

Gene: STK11 (serine/threonine kinase 11; plus strand). Cytogenetic location: 19p13.3.
Variant type: single nucleotide variant.
Coding change: c.375-5C>T on transcript NM_000455.5 (MANE Select); 5 bases into the intron before coding-DNA position 375, C replaced by T.
Molecular consequence: intron variant.
Genome position (GRCh38, 1-based): chr19:1,219,319, C>T. VCF-style: chr19-1219319-C-T. GRCh37 (hg19) VCF-style: chr19-1219318-C-T.
Identifiers: ClinVar variation 372048 (VCV000372048.13), dbSNP rs1057517626, ClinGen allele CA16042181.